The following is an entry in ClinVar:

NM_001042413.2(GLIS3):c.2742C>G (p.Ser914Arg)

Gene: GLIS3 (GLIS family zinc finger 3; minus strand). Cytogenetic location: 9p24.2.
Variant type: single nucleotide variant.
Coding change: c.2742C>G on transcript NM_001042413.2 (MANE Select); coding-DNA position 2742, C replaced by G.
Protein change: p.Ser914Arg; replaces serine 914 with arginine.
Molecular consequence: missense variant.
Genome position (GRCh38, 1-based): chr9:3,828,323, G>C on the plus strand (C>G on the coding strand, the complement: GLIS3 is on the minus strand). VCF-style: chr9-3828323-G-C. GRCh37 (hg19) VCF-style: chr9-3828323-G-C.
Other names: c.2277C>G, p.Ser759Arg (NM_152629.4); short protein forms S914R, S759R.
Identifiers: ClinVar variation 2045645 (VCV002045645.1), dbSNP rs2537067716, ClinGen allele CA372804007.

ClinVar aggregate classification (germline): Uncertain significance (1 of 4 stars; one submission).

Submission:

Labcorp Genetics (formerly Invitae), Labcorp
Classification: Uncertain significance. Last evaluated: 2022-01-14. Review status: criteria provided, single submitter. Criteria: Invitae Variant Classification Sherloc (09022015). Collection method: clinical testing. Allele origin: germline.
Comment: This sequence change replaces serine, which is neutral and polar, with arginine, which is basic and polar, at codon 759 of the GLIS3 protein (p.Ser759Arg). This variant is not present in population databases (gnomAD no frequency). This variant has not been reported in the literature in individuals affected with GLIS3-related conditions. Algorithms developed to predict the effect of missense changes on protein structure and function are either unavailable or do not agree on the potential impact of this missense change (SIFT: "Deleterious"; PolyPhen-2: "Probably Damaging"; Align-GVGD: "Class C0"). In summary, the available evidence is currently insufficient to determine the role of this variant in disease. Therefore, it has been classified as a Variant of Uncertain Significance.